The following is an entry in ClinVar:

ClinVar aggregate classification (germline): Likely benign (0 of 4 stars; one submission).

Conditions:
MAPK8IP3-related disorder. Also called: MAPK8IP3-related condition.

Allele frequency attached by ClinVar (database versions not stated): gnomAD exomes 0.00001; ExAC 0.00004; gnomAD 0.00011; TOPMed 0.00011; ESP Exome Variant Server 0.00016.
gnomAD v4.1: 25 of 1,611,574 alleles (0.0016%); highest among the groups gnomAD compares: African/African-American, 0.023%; no homozygotes.

Submission:

PreventionGenetics, part of Exact Sciences
Classification: Likely benign for MAPK8IP3-related condition. Last evaluated: 2020-10-06. Review status: no assertion criteria provided. Collection method: clinical testing. Allele origin: germline.
Comment: This variant is classified as likely benign based on ACMG/AMP sequence variant interpretation guidelines (Richards et al. 2015 PMID: 25741868, with internal and published modifications).

NM_001318852.2(MAPK8IP3):c.3906C>T (p.Asp1302=)

Gene: MAPK8IP3 (mitogen-activated protein kinase 8 interacting protein 3; plus strand). Cytogenetic location: 16p13.3.
Variant type: single nucleotide variant.
Coding change: c.3906C>T on transcript NM_001318852.2 (MANE Select); coding-DNA position 3906, C replaced by T.
Protein change: p.Asp1302=; no amino-acid change (aspartic acid 1302 retained).
Molecular consequence: synonymous variant.
Genome position (GRCh38, 1-based): chr16:1,768,716, C>T. VCF-style: chr16-1768716-C-T. GRCh37 (hg19) VCF-style: chr16-1818717-C-T.
Other names: c.3885C>T, p.Asp1295= (NM_001040439.2); c.3903C>T, p.Asp1301= (NM_015133.5, NM_033392.3).
Identifiers: ClinVar variation 3048126 (VCV003048126.2), dbSNP rs368321815, ClinGen allele CA7817932.